The following is an entry in ClinVar:

ClinVar aggregate classification (germline): Likely benign (0 of 4 stars; one submission).

Conditions:
PLXNA3-related disorder. Also called: PLXNA3-related condition.

Submission:

PreventionGenetics, part of Exact Sciences
Classification: Likely benign for PLXNA3-related condition. Last evaluated: 2023-05-19. Review status: no assertion criteria provided. Collection method: clinical testing. Allele origin: germline.
Comment: This variant is classified as likely benign based on ACMG/AMP sequence variant interpretation guidelines (Richards et al. 2015 PMID: 25741868, with internal and published modifications).

NM_017514.5(PLXNA3):c.384C>T (p.Leu128=)

Gene: PLXNA3 (plexin A3; plus strand). Cytogenetic location: Xq28.
Variant type: single nucleotide variant.
Coding change: c.384C>T on transcript NM_017514.5 (MANE Select); coding-DNA position 384, C replaced by T.
Protein change: p.Leu128=; no amino-acid change (leucine 128 retained).
Molecular consequence: synonymous variant.
Genome position (GRCh38, 1-based): chrX:154,460,567, C>T. VCF-style: chrX-154460567-C-T. GRCh37 (hg19) VCF-style: chrX-153688907-C-T.
Identifiers: ClinVar variation 3356237 (VCV003356237.1).
Genomic context (GRCh38, chrX:154,460,567, plus strand): 5'-CCTGGTGGCCTGCGGCAGCATCTGGCAGGGCATCTGCCAGTTCCTGCGTCTGGACGACCT[C>T]TTCAAGCTGGGTGAGCCGCACCACCGCAAGGAGCACTACCTGTCGGGGGCCCAGGAGCCC-3'
Protein context (NP_059984.3, residues 118-138): GICQFLRLDD[Leu128=]FKLGEPHHRK